The following is an entry in ClinVar:

ClinVar aggregate classification (germline): Uncertain significance (1 of 4 stars; one submission).

Allele frequency attached by ClinVar (database versions not stated): gnomAD exomes 0.00002 and 0.00003; ExAC 0.00003; TOPMed 0.00003; gnomAD 0.00004 and 0.00005; ESP Exome Variant Server 0.00008.
gnomAD v4.1: 41 of 1,613,944 alleles (0.0025%); highest among the groups gnomAD compares: Non-Finnish European, 0.0034%; no homozygotes.

Submission:

Labcorp Genetics (formerly Invitae), Labcorp
Classification: Uncertain significance. Last evaluated: 2025-06-22. Review status: criteria provided, single submitter. Criteria: Invitae Variant Classification Sherloc (09022015). Collection method: clinical testing. Allele origin: germline.
Comment: This sequence change creates a premature translational stop signal (p.Trp366*) in the ANKZF1 gene. It is expected to result in an absent or disrupted protein product. However, the current clinical and genetic evidence is not sufficient to establish whether loss-of-function variants in ANKZF1 cause disease. This variant is present in population databases (rs201952175, gnomAD 0.005%). This variant has not been reported in the literature in individuals affected with ANKZF1-related conditions. ClinVar contains an entry for this variant (Variation ID: 1524990). In summary, the available evidence is currently insufficient to determine the role of this variant in disease. Therefore, it has been classified as a Variant of Uncertain Significance.

NM_018089.3(ANKZF1):c.1097G>A (p.Trp366Ter)

Gene: ANKZF1 (ankyrin repeat and zinc finger peptidyl tRNA hydrolase 1; plus strand). Cytogenetic location: 2q35.
Variant type: single nucleotide variant.
Coding change: c.1097G>A on transcript NM_018089.3 (MANE Select); coding-DNA position 1097, G replaced by A.
Protein change: p.Trp366Ter; replaces tryptophan 366 with a stop codon.
Molecular consequence: nonsense.
Genome position (GRCh38, 1-based): chr2:219,234,181, G>A. VCF-style: chr2-219234181-G-A. GRCh37 (hg19) VCF-style: chr2-220098903-G-A.
Other names: c.1097G>A, p.Trp366Ter (NM_001042410.2); c.467G>A, p.Trp156Ter (NM_001282792.2); short protein forms W156*, W366*.
Identifiers: ClinVar variation 1524990 (VCV001524990.6), dbSNP rs201952175, ClinGen allele CA2120965.